The following is an entry in ClinVar:

ClinVar aggregate classification (germline): Uncertain significance (1 of 4 stars; one submission).

Submission:

GeneDx
Classification: Uncertain significance. Last evaluated: 2026-04-16. Review status: criteria provided, single submitter. Criteria: GeneDx Variant Classification Process June 2021. Collection method: clinical testing. Allele origin: germline.
Comment: Not observed in large population cohorts (gnomAD); In silico analysis supports that this missense variant has a deleterious effect on protein structure/function; Has not been previously reported as a pathogenic or benign germline variant to our knowledge

NM_003244.4(TGIF1):c.744T>A (p.Ser248Arg)

Gene: TGIF1 (TGFB induced factor homeobox 1; plus strand). Cytogenetic location: 18p11.31.
Variant type: single nucleotide variant.
Coding change: c.744T>A on transcript NM_003244.4 (MANE Select); coding-DNA position 744, T replaced by A.
Protein change: p.Ser248Arg; replaces serine 248 with arginine.
Molecular consequence: missense variant.
Genome position (GRCh38, 1-based): chr18:3,457,865, T>A. VCF-style: chr18-3457865-T-A. GRCh37 (hg19) VCF-style: chr18-3457863-T-A.
Other names: c.744T>A, p.Ser248Arg (NM_173208.3, NM_001278684.2); c.684T>A, p.Ser228Arg (NM_173209.3, NM_173210.4, NM_173211.2 and 5 more transcripts); c.753T>A, p.Ser251Arg (NM_001278682.2); c.786T>A, p.Ser262Arg (NM_173207.4); short protein forms S228R, S248R, S251R, S262R.
Identifiers: ClinVar variation 5037201 (VCV005037201.1).